The following is an entry in ClinVar:

ClinVar aggregate classification (germline): Uncertain significance. Review status: criteria provided, multiple submitters, no conflicts (2 of 4 stars). 2 submissions from 2 submitters: Uncertain significance (2). Last evaluated 2023-04-24.

Allele frequency attached by ClinVar (database versions not stated): TOPMed 0.00001; gnomAD exomes 0.00002.
gnomAD v4.1: 30 of 1,614,094 alleles (0.0019%); highest among the groups gnomAD compares: Non-Finnish European, 0.0025%; no homozygotes.

Submissions (2):

Greenwood Genetic Center Diagnostic Laboratories, Greenwood Genetic Center
Classification: Uncertain significance. Last evaluated: 2023-04-24. Review status: criteria provided, single submitter. Criteria: ACMG Guidelines, 2015. Collection method: clinical testing. Allele origin: germline. Affected: yes.
Comment: PM2, PP3

Blueprint Genetics
Classification: Uncertain significance. Last evaluated: 2022-09-23. Review status: criteria provided, single submitter. Criteria: ACMG Guidelines, 2015. Collection method: clinical testing. Allele origin: germline.

NM_170606.3(KMT2C):c.6347T>C (p.Phe2116Ser)

Gene: KMT2C (lysine methyltransferase 2C; minus strand). Cytogenetic location: 7q36.1.
Variant type: single nucleotide variant.
Coding change: c.6347T>C on transcript NM_170606.3 (MANE Select); coding-DNA position 6347, T replaced by C.
Protein change: p.Phe2116Ser; replaces phenylalanine 2116 with serine.
Molecular consequence: missense variant.
Genome position (GRCh38, 1-based): chr7:152,181,513, A>G on the plus strand (T>C on the coding strand, the complement: KMT2C is on the minus strand). VCF-style: chr7-152181513-A-G. GRCh37 (hg19) VCF-style: chr7-151878598-A-G.
Other names: short protein forms F2116S.
Identifiers: ClinVar variation 2572363 (VCV002572363.2), dbSNP rs1003561202, ClinGen allele CA169211841.